The following is an entry in ClinVar:

NM_152305.3(POGLUT1):c.829A>G (p.Ser277Gly)

Gene: POGLUT1 (protein O-glucosyltransferase 1; plus strand). Cytogenetic location: 3q13.33.
Variant type: single nucleotide variant.
Coding change: c.829A>G on transcript NM_152305.3 (MANE Select); coding-DNA position 829, A replaced by G.
Protein change: p.Ser277Gly; replaces serine 277 with glycine.
Molecular consequence: missense variant. On other transcripts: non-coding transcript variant (1).
Genome position (GRCh38, 1-based): chr3:119,490,582, A>G. VCF-style: chr3-119490582-A-G. GRCh37 (hg19) VCF-style: chr3-119209429-A-G.
Other names: short protein forms S277G.
Identifiers: ClinVar variation 4737265 (VCV004737265.1).

ClinVar aggregate classification (germline): Uncertain significance (1 of 4 stars; one submission).

gnomAD v4.1: 1 of 1,614,086 alleles (0.000062%); highest among the groups gnomAD compares: Non-Finnish European, 0.000085%; no homozygotes.

Submission:

Labcorp Genetics (formerly Invitae), Labcorp
Classification: Uncertain significance. Last evaluated: 2025-10-18. Review status: criteria provided, single submitter. Criteria: Invitae Variant Classification Sherloc (09022015). Collection method: clinical testing. Allele origin: germline.
Comment: This sequence change replaces serine, which is neutral and polar, with glycine, which is neutral and non-polar, at codon 277 of the POGLUT1 protein (p.Ser277Gly). This variant is not present in population databases (gnomAD no frequency). This variant has not been reported in the literature in individuals affected with POGLUT1-related conditions. Invitae Evidence Modeling of protein sequence and biophysical properties (such as structural, functional, and spatial information, amino acid conservation, physicochemical variation, residue mobility, and thermodynamic stability) indicates that this missense variant is expected to disrupt POGLUT1 protein function with a positive predictive value of 80%. In summary, the available evidence is currently insufficient to determine the role of this variant in disease. Therefore, it has been classified as a Variant of Uncertain Significance.